The following is an entry in ClinVar:

ClinVar aggregate classification (germline): Likely pathogenic (1 of 4 stars; one submission).

Conditions:
Dilated cardiomyopathy 1G (CMD1G). Identifiers: Orphanet 154, MedGen C1858763, MONDO:0011400, OMIM 604145.
Autosomal recessive limb-girdle muscular dystrophy type 2J (LGMDR10). Also called: Limb-girdle muscular dystrophy, type 2J; MUSCULAR DYSTROPHY, LIMB-GIRDLE, AUTOSOMAL RECESSIVE 10. Identifiers: Orphanet 140922, MedGen C1837342, MONDO:0012127, OMIM 608807.

gnomAD v4.1: 2 of 1,613,376 alleles (0.00012%); highest among the groups gnomAD compares: Non-Finnish European, 0.00017%; no homozygotes.

Submission:

Labcorp Genetics (formerly Invitae), Labcorp
Classification: Likely pathogenic for Dilated cardiomyopathy 1G; Autosomal recessive limb-girdle muscular dystrophy type 2J. Last evaluated: 2025-03-14. Review status: criteria provided, single submitter. Criteria: Invitae Variant Classification Sherloc (09022015). Collection method: clinical testing. Allele origin: germline.
Comment: This sequence change creates a premature translational stop signal (p.Gln25867*) in the TTN gene. While this is not anticipated to result in nonsense mediated decay, it is expected to create a truncated TTN protein. This variant is not present in population databases (gnomAD no frequency). This premature translational stop signal has been observed in individual(s) with dilated cardiomyopathy (PMID: 33996946). This variant is located in the A band of TTN (PMID: 25589632). Truncating variants in this region are significantly overrepresented in patients affected with dilated cardiomyopathy (PMID: 25589632). Truncating variants in this region have also been reported in individuals affected with autosomal recessive centronuclear myopathy (PMID: 23975875). In summary, the currently available evidence indicates that the variant is pathogenic, but additional data are needed to prove that conclusively. Therefore, this variant has been classified as Likely Pathogenic.

Literature cited by the submitters: PubMed 33996946; PubMed 25589632; PubMed 23975875.

NM_001267550.2(TTN):c.77599C>T (p.Gln25867Ter)

Genes: TTN-AS1 (TTN antisense RNA 1; plus strand), TTN (titin; minus strand). Cytogenetic location: 2q31.2.
Variant type: single nucleotide variant.
Coding change: c.77599C>T on transcript NM_001267550.2 (MANE Select); coding-DNA position 77599, C replaced by T.
Protein change: p.Gln25867Ter; replaces glutamine 25867 with a stop codon.
Molecular consequence: nonsense.
Genome position (GRCh38, 1-based): chr2:178,568,533, G>A on the plus strand (C>T on the coding strand, the complement: TTN is on the minus strand). VCF-style: chr2-178568533-G-A. GRCh37 (hg19) VCF-style: chr2-179433260-G-A.
Other names: c.72676C>T, p.Gln24226Ter (NM_001256850.1); c.50404C>T, p.Gln16802Ter (NM_003319.4); c.69895C>T, p.Gln23299Ter (NM_133378.4); c.50779C>T, p.Gln16927Ter (NM_133432.3); c.50980C>T, p.Gln16994Ter (NM_133437.4); short protein forms Q16802*, Q16927*, Q16994*, Q23299*, Q24226*, Q25867*.
Identifiers: ClinVar variation 4783858 (VCV004783858.1).
Genomic context (GRCh38, chr2:178,568,533, plus strand): 5'-TTACAATTTCGATGGATGCTGTCTTCTGACCAACAACATTGGCAACTGTGATTCCATATT[G>A]TCCACCATCATCCTTATGAGTTTCTTTAATACTGAGTGTGGTGAGATCCAGTGAATCGGT-3'